The following is an entry in ClinVar:

NM_000298.6(PKLR):c.603G>A (p.Trp201Ter)

Gene: PKLR (pyruvate kinase L/R; minus strand). Cytogenetic location: 1q22.
Variant type: single nucleotide variant.
Coding change: c.603G>A on transcript NM_000298.6 (MANE Select); coding-DNA position 603, G replaced by A.
Protein change: p.Trp201Ter; replaces tryptophan 201 with a stop codon.
Molecular consequence: nonsense.
Genome position (GRCh38, 1-based): chr1:155,295,207, C>T on the plus strand (G>A on the coding strand, the complement: PKLR is on the minus strand). VCF-style: chr1-155295207-C-T. GRCh37 (hg19) VCF-style: chr1-155264998-C-T.
Other names: c.510G>A, p.Trp170Ter (NM_181871.4); short protein forms W170*, W201*.
Identifiers: ClinVar variation 3341365 (VCV003341365.1).

ClinVar aggregate classification (germline): Pathogenic (1 of 4 stars; one submission).

Conditions:
Pyruvate kinase deficiency of red cells (CNSHA2). Also called: PYRUVATE KINASE DEFICIENCY OF ERYTHROCYTE; PK DEFICIENCY; Pyruvate kinase deficiency, Amish type. Identifiers: Orphanet 766, MedGen C0340968, MONDO:0009950, OMIM 266200.

Submission:

Neuberg Centre For Genomic Medicine, NCGM
Classification: Pathogenic for Pyruvate kinase deficiency of red cells. Last evaluated: 2023-05-20. Review status: criteria provided, single submitter. Criteria: ACMG Guidelines, 2015. Collection method: clinical testing. Allele origin: germline. Inheritance: Autosomal recessive inheritance. Affected: yes.
Comment: The observed stop gain c.603G>A (p.Trp201Ter) variant in PKLR gene has been reported previously in compound heterozygous state in an individual affected with pyruvate kinase deficiency (Percy et al. 2007). The c.603G>A variant is absent in gnomAD Exomes database. This variant has not been submitted to the ClinVar database. Computation evidence (Mutation Taster - disease causing) predict a damaging effect on protein structure and function for this variant. The nucleotide change c.603G>A in PKLR is predicted as conserved by GERP++ and PhyloP across 100 vertebrates. This variant is predicted to cause loss of normal protein function through protein truncation. Loss of function variants have been previously reported to be disease causing. For these reasons, this variant has been classified as Pathogenic.